The following is an entry in ClinVar:

NM_001318734.2(KLC2):c.120T>C (p.Ala40=)

Gene: KLC2 (kinesin light chain 2; plus strand). Cytogenetic location: 11q13.2.
Variant type: single nucleotide variant.
Coding change: c.120T>C on transcript NM_001318734.2 (MANE Select); coding-DNA position 120, T replaced by C.
Protein change: p.Ala40=; no amino-acid change (alanine 40 retained).
Molecular consequence: synonymous variant.
Genome position (GRCh38, 1-based): chr11:66,258,714, T>C. VCF-style: chr11-66258714-T-C. GRCh37 (hg19) VCF-style: chr11-66026185-T-C.
Other names: c.120T>C, p.Ala40= (NM_001134774.2, NM_001134775.2, NM_001134776.2 and 1 more transcripts).
Identifiers: ClinVar variation 3067594 (VCV003067594.22), dbSNP rs2495648711, ClinGen allele CA475317590.

ClinVar aggregate classification (germline): Likely benign. Review status: criteria provided, multiple submitters, no conflicts (2 of 4 stars). 2 submissions from 2 submitters: Likely benign (2). Last evaluated 2026-01-14.

Allele frequency attached by ClinVar (database versions not stated): gnomAD exomes below 0.00001.
gnomAD v4.1: 2 of 1,613,706 alleles (0.00012%); highest among the groups gnomAD compares: Non-Finnish European, 0.000085%; no homozygotes.

Submissions (2):

Labcorp Genetics (formerly Invitae), Labcorp
Classification: Likely benign. Last evaluated: 2026-01-14. Review status: criteria provided, single submitter. Criteria: Invitae Variant Classification Sherloc (09022015). Collection method: clinical testing. Allele origin: germline.

CeGaT Center for Human Genetics Tuebingen
Classification: Likely benign. Last evaluated: 2024-03-01. Review status: criteria provided, single submitter. Criteria: CeGaT Center For Human Genetics Tuebingen Variant Classification Criteria Version 2. Collection method: clinical testing. Allele origin: germline. Affected: yes. Observed: 1 variant allele.
Comment: KLC2: PM2:Supporting, BP4, BP7